The following is an entry in ClinVar:

ClinVar aggregate classification (germline): Likely pathogenic. Review status: criteria provided, multiple submitters, no conflicts (2 of 4 stars). 3 submissions from 3 submitters: Likely pathogenic (3). Last evaluated 2025-08-03.

Conditions:
PMM2-congenital disorder of glycosylation. Also called: CDG Ia; JAEKEN SYNDROME; PHOSPHOMANNOMUTASE 2 DEFICIENCY; CARBOHYDRATE-DEFICIENT GLYCOPROTEIN SYNDROME, TYPE Ia; Congenital disorder of glycosylation, type Ia; PMM2-CDG. Identifiers: Orphanet 79318, MedGen C0349653, MONDO:0008907, OMIM 212065.

Allele frequency attached by ClinVar (database versions not stated): TOPMed below 0.00001; gnomAD 0.00001.
gnomAD v4.1: 14 of 1,578,324 alleles (0.00089%); highest among the groups gnomAD compares: African/African-American, 0.0013%; no homozygotes.

Submissions (3):

Labcorp Genetics (formerly Invitae), Labcorp
Classification: Likely pathogenic for PMM2-congenital disorder of glycosylation. Last evaluated: 2025-08-03. Review status: criteria provided, single submitter. Criteria: Invitae Variant Classification Sherloc (09022015). Collection method: clinical testing. Allele origin: germline.
Comment: This sequence change replaces isoleucine, which is neutral and non-polar, with asparagine, which is neutral and polar, at codon 132 of the PMM2 protein (p.Ile132Asn). This variant is not present in population databases (gnomAD no frequency). This missense change has been observed in individual(s) with congenital disorder of glycosylation type 1a (PMID: 10801058). ClinVar contains an entry for this variant (Variation ID: 2736318). Invitae Evidence Modeling of protein sequence and biophysical properties (such as structural, functional, and spatial information, amino acid conservation, physicochemical variation, residue mobility, and thermodynamic stability) indicates that this missense variant is expected to disrupt PMM2 protein function with a positive predictive value of 95%. This variant disrupts the p.Ile132 amino acid residue in PMM2. Other variant(s) that disrupt this residue have been determined to be pathogenic (PMID: 9497260, 15844218, 25355454, 29361989). This suggests that this residue is clinically significant, and that variants that disrupt this residue are likely to be disease-causing. In summary, the currently available evidence indicates that the variant is pathogenic, but additional data are needed to prove that conclusively. Therefore, this variant has been classified as Likely Pathogenic.

Myriad Genetics, Inc.
Classification: Likely pathogenic for PMM2-congenital disorder of glycosylation. Last evaluated: 2025-04-08. Review status: criteria provided, single submitter. Criteria: Myriad Autosomal Dominant, Autosomal Recessive and X-Linked Classification Criteria (2023). Collection method: clinical testing. Allele origin: unknown.
Comment: NM_000303.2(PMM2):c.395T>A(I132N) is a missense variant classified as likely pathogenic in the context of congenital disorder of glycosylation, PMM2-related. I132N has been observed in cases with relevant disease (PMID: 21949237, 10801058). Relevant functional assessments of this variant are not available in the literature. Internal structural analysis of the variant is supportive of pathogenicity. I132N has not been observed in referenced population frequency databases. In summary, NM_000303.2(PMM2):c.395T>A(I132N) is a missense variant that has internal structural support for pathogenicity and has been observed more frequently in cases with the relevant disease than in healthy populations. Please note: this variant was assessed in the context of healthy population screening.

Natera, Inc.
Classification: Likely pathogenic for Congenital disorder of glycosylation type 1a. Last evaluated: 2025-03-25. Review status: criteria provided, single submitter. Criteria: Natera Variant Classification Schema (03/2026). Collection method: clinical testing. Allele origin: germline.
Comment: The c.395T>A variant in PMM2 is a missense variant predicted to cause substitution of isoleucine to asparagine at amino acid 132. This variant is rare in the general population with a frequency below the threshold expected for the associated phenotype(s). This variant has been observed in one or more individuals affected with the associated recessive disease, as either homozygous or compound heterozygous with a second variant (PMID: 21949237, 38959600). A different variant at the same position has been determined to be Pathogenic or Likely Pathogenic. Computational prediction algorithms indicate this variant is likely to affect gene or protein function. Given the available evidence, this variant is classified as Likely Pathogenic.

Literature cited by the submitters: PubMed 10801058 (cited by Labcorp Genetics (formerly Invitae), Labcorp and Myriad Genetics, Inc.); PubMed 9497260 (cited by Labcorp Genetics (formerly Invitae), Labcorp); PubMed 15844218 (cited by Labcorp Genetics (formerly Invitae), Labcorp); PubMed 25355454 (cited by Labcorp Genetics (formerly Invitae), Labcorp); PubMed 29361989 (cited by Labcorp Genetics (formerly Invitae), Labcorp); PubMed 21949237 (cited by Myriad Genetics, Inc. and Natera, Inc.); PubMed 38959600 (cited by Natera, Inc.).

NM_000303.3(PMM2):c.395T>A (p.Ile132Asn)

Gene: PMM2 (phosphomannomutase 2; plus strand). Cytogenetic location: 16p13.2.
Variant type: single nucleotide variant.
Coding change: c.395T>A on transcript NM_000303.3 (MANE Select); coding-DNA position 395, T replaced by A.
Protein change: p.Ile132Asn; replaces isoleucine 132 with asparagine.
Molecular consequence: missense variant.
Genome position (GRCh38, 1-based): chr16:8,811,126, T>A. VCF-style: chr16-8811126-T-A. GRCh37 (hg19) VCF-style: chr16-8904983-T-A.
Other names: c.395T>A (NM_000303.2); short protein forms I132N.
Identifiers: ClinVar variation 2736318 (VCV002736318.5), dbSNP rs80338702, ClinGen allele CA394696589.